The following is an entry in ClinVar:

ClinVar aggregate classification (germline): Uncertain significance. Review status: criteria provided, multiple submitters, no conflicts (2 of 4 stars). 2 submissions from 2 submitters: Uncertain significance (2). Last evaluated 2025-09-18.

Conditions:
VPS13B-related disorder. Also called: VPS13B-related condition.
Cohen syndrome (COH1). Also called: PEPPER SYNDROME; Cutis verticis gyrata, retinitis pigmentosa, and sensorineural deafness. Identifiers: Orphanet 193, MedGen C0265223, MONDO:0008999, OMIM 216550.

gnomAD v4.1: 2 of 1,614,108 alleles (0.00012%); highest among the groups gnomAD compares: East Asian, 0.0022%; no homozygotes.

Submissions (2):

PreventionGenetics, part of Exact Sciences
Classification: Uncertain significance for VPS13B-related condition. Last evaluated: 2025-09-18. Review status: criteria provided, single submitter. Criteria: ACMG Guidelines, 2015. Collection method: clinical testing. Allele origin: germline.
Comment: The VPS13B c.8347A>G variant is predicted to result in the amino acid substitution p.Ser2783Gly. To our knowledge, this variant has not been reported in the literature or in a large population database (gnomAD), indicating this variant is rare. At this time, the clinical significance of this variant is uncertain due to the absence of conclusive functional and genetic evidence.

Labcorp Genetics (formerly Invitae), Labcorp
Classification: Uncertain significance for Cohen syndrome. Last evaluated: 2025-01-18. Review status: criteria provided, single submitter. Criteria: Invitae Variant Classification Sherloc (09022015). Collection method: clinical testing. Allele origin: germline.
Comment: This sequence change replaces serine, which is neutral and polar, with glycine, which is neutral and non-polar, at codon 2808 of the VPS13B protein (p.Ser2808Gly). This variant is not present in population databases (gnomAD no frequency). This variant has not been reported in the literature in individuals affected with VPS13B-related conditions. Invitae Evidence Modeling of protein sequence and biophysical properties (such as structural, functional, and spatial information, amino acid conservation, physicochemical variation, residue mobility, and thermodynamic stability) indicates that this missense variant is not expected to disrupt VPS13B protein function with a negative predictive value of 80%. In summary, the available evidence is currently insufficient to determine the role of this variant in disease. Therefore, it has been classified as a Variant of Uncertain Significance.

NM_152564.5(VPS13B):c.8347A>G (p.Ser2783Gly)

Gene: VPS13B (vacuolar protein sorting 13 homolog B; plus strand). Cytogenetic location: 8q22.2.
Variant type: single nucleotide variant.
Coding change: c.8347A>G on transcript NM_152564.5 (MANE Select); coding-DNA position 8347, A replaced by G.
Protein change: p.Ser2783Gly; replaces serine 2783 with glycine.
Molecular consequence: missense variant.
Genome position (GRCh38, 1-based): chr8:99,817,789, A>G. VCF-style: chr8-99817789-A-G. GRCh37 (hg19) VCF-style: chr8-100830017-A-G.
Other names: c.8422A>G, p.Ser2808Gly (NM_017890.5); short protein forms S2783G, S2808G.
Identifiers: ClinVar variation 3702827 (VCV003702827.2).